The following is an entry in ClinVar:

ClinVar aggregate classification (germline): Pathogenic. Review status: criteria provided, multiple submitters, no conflicts (2 of 4 stars). 5 submissions from 3 submitters: Pathogenic (5). Last evaluated 2025-12-09.

Conditions:
Cardiovascular phenotype. Identifiers: MedGen CN230736.
Hypertrophic cardiomyopathy 26. Also called: Cardiomyopathy, familial hypertrophic, 26. Identifiers: Orphanet 75249, MedGen C4310749, MONDO:0014883, OMIM 617047.
Myofibrillar myopathy 5. Also called: FILAMINOPATHY, AUTOSOMAL DOMINANT; Filaminopathy (type). Identifiers: Orphanet 171445, MedGen C1836050, MONDO:0012289, OMIM 609524.
Distal myopathy with posterior leg and anterior hand involvement. Also called: WILLIAMS DISTAL MYOPATHY. Identifiers: Orphanet 63273, MedGen C3279722, MONDO:0013550, OMIM 614065.

Submissions (5):

Labcorp Genetics (formerly Invitae), Labcorp
Classification: Pathogenic for Distal myopathy with posterior leg and anterior hand involvement; Myofibrillar myopathy 5; Hypertrophic cardiomyopathy 26. Last evaluated: 2025-12-09. Review status: criteria provided, single submitter. Criteria: Invitae Variant Classification Sherloc (09022015). Collection method: clinical testing. Allele origin: germline.
Comment: This sequence change creates a premature translational stop signal (p.Gly1649Alafs*17) in the FLNC gene. It is expected to result in an absent or disrupted protein product. Loss-of-function variants in FLNC are known to be pathogenic (PMID: 27908349). This variant is present in population databases (no rsID available, gnomAD 0.003%). This variant has not been reported in the literature in individuals affected with FLNC-related conditions. ClinVar contains an entry for this variant (Variation ID: 1073366). For these reasons, this variant has been classified as Pathogenic.

Baylor Genetics
Classification: Pathogenic for Distal myopathy with posterior leg and anterior hand involvement. Last evaluated: 2024-01-26. Review status: criteria provided, single submitter. Criteria: ACMG Guidelines, 2015. Collection method: clinical testing. Allele origin: unknown.

Baylor Genetics
Classification: Pathogenic for Myofibrillar myopathy 5. Last evaluated: 2024-01-26. Review status: criteria provided, single submitter. Criteria: ACMG Guidelines, 2015. Collection method: clinical testing. Allele origin: unknown.

Baylor Genetics
Classification: Pathogenic for Hypertrophic cardiomyopathy 26. Last evaluated: 2024-01-26. Review status: criteria provided, single submitter. Criteria: ACMG Guidelines, 2015. Collection method: clinical testing. Allele origin: unknown.

Ambry Genetics
Classification: Pathogenic for Cardiovascular phenotype. Last evaluated: 2023-07-14. Review status: criteria provided, single submitter. Criteria: Ambry Variant Classification Scheme 2023. Collection method: clinical testing. Allele origin: germline.
Comment: The c.4946delG pathogenic mutation, located in coding exon 29 of the FLNC gene, results from a deletion of one nucleotide at nucleotide position 4946, causing a translational frameshift with a predicted alternate stop codon (p.G1649Afs*17). This variant is considered to be rare based on population cohorts in the Genome Aggregation Database (gnomAD). This alteration is expected to result in loss of function by premature protein truncation or nonsense-mediated mRNA decay. Based on the supporting evidence, this variant is expected to be causative of FLNC-related dilated cardiomyopathy; however, its clinical significance for FLNC-related hypertrophy/restrictive cardiomyopathy and/or skeletal myopathy is unclear.

Literature cited by the submitters: PubMed 27908349 (cited by Labcorp Genetics (formerly Invitae), Labcorp).

NM_001458.5(FLNC):c.4946del (p.Gly1649fs)

Gene: FLNC (filamin C; plus strand). Cytogenetic location: 7q32.1.
Variant type: Deletion.
Coding change: c.4946del on transcript NM_001458.5 (MANE Select); coding-DNA position 4946, one base deleted (G; older notation c.4946delG).
Protein change: p.Gly1649fs; shifts the reading frame from glycine 1649.
Molecular consequence: frameshift variant.
Genome position (GRCh38, 1-based): chr7:128,849,199, G deleted; the last of 2 consecutive G bases (chr7:128,849,198-128,849,199); deleting either gives the same sequence. VCF-style (leftmost placement, unchanged base first): chr7-128849197-TG-T. GRCh37 (hg19) VCF-style: chr7-128489251-TG-T.
Other names: c.4946del, p.Gly1649fs (NM_001127487.2); short protein forms G1649fs.
Identifiers: ClinVar variation 1073366 (VCV001073366.13), dbSNP rs1282619643, ClinGen allele CA578150576.
Genomic context (GRCh38, chr7:128,849,197, plus strand): 5'-CCACGTTGAGCACCGCCTGGCCTCACACTCTTCTCTCTTTCCAGTGTCCATTGGAGGCCA[TG>T]GCCTGGGTGAGTGCCCTTTCTCTCCTCTTCTTGGTGTGGGCCAGGGTGGTTGGCGGTAGG-3'